The following is an entry in ClinVar:

ClinVar aggregate classification (germline): Uncertain significance. Review status: criteria provided, multiple submitters, no conflicts (2 of 4 stars). 2 submissions from 2 submitters: Uncertain significance (2). Last evaluated 2025-06-18.

Allele frequency attached by ClinVar (database versions not stated): gnomAD exomes below 0.00001; ExAC 0.00001; gnomAD 0.00001.

Submissions (2):

Ambry Genetics
Classification: Uncertain significance. Last evaluated: 2025-06-18. Review status: criteria provided, single submitter. Criteria: Ambry Variant Classification Scheme 2023. Collection method: clinical testing. Allele origin: germline.

Labcorp Genetics (formerly Invitae), Labcorp
Classification: Uncertain significance. Last evaluated: 2023-04-13. Review status: criteria provided, single submitter. Criteria: Invitae Variant Classification Sherloc (09022015). Collection method: clinical testing. Allele origin: germline.
Comment: An algorithm developed to predict the effect of missense changes on protein structure and function (PolyPhen-2) suggests that this variant is likely to be tolerated. This variant has not been reported in the literature in individuals affected with AHR-related conditions. This variant is present in population databases (rs770600027, gnomAD 0.002%). This sequence change replaces glutamine, which is neutral and polar, with glutamic acid, which is acidic and polar, at codon 762 of the AHR protein (p.Gln762Glu). In summary, the available evidence is currently insufficient to determine the role of this variant in disease. Therefore, it has been classified as a Variant of Uncertain Significance.

NM_001621.5(AHR):c.2284C>G (p.Gln762Glu)

Gene: AHR (aryl hydrocarbon receptor; plus strand). Cytogenetic location: 7p21.1.
Variant type: single nucleotide variant.
Coding change: c.2284C>G on transcript NM_001621.5 (MANE Select); coding-DNA position 2284, C replaced by G.
Protein change: p.Gln762Glu; replaces glutamine 762 with glutamic acid.
Molecular consequence: missense variant.
Genome position (GRCh38, 1-based): chr7:17,340,109, C>G. VCF-style: chr7-17340109-C-G. GRCh37 (hg19) VCF-style: chr7-17379733-C-G.
Other names: c.2284C>G (NM_001621.4); short protein forms Q762E.
Identifiers: ClinVar variation 3022837 (VCV003022837.4), dbSNP rs770600027, ClinGen allele CA4172255.
Genomic context (GRCh38, chr7:17,340,109, plus strand): 5'-TTACAACTTCCTGAAAACCAAAAGCATGGATTAAATCCACAGTCAGCCATAATAACTCCT[C>G]AGACATGTTATGCTGGGGCCGTGTCGATGTATCAGTGCCAGCCAGAACCTCAGCACACCC-3'
Protein context (NP_001612.1, residues 752-772): LNPQSAIITP[Gln762Glu]TCYAGAVSMY